The following is an entry in ClinVar:

ClinVar aggregate classification (germline): Uncertain significance. Review status: criteria provided, multiple submitters, no conflicts (2 of 4 stars). 2 submissions from 2 submitters: Uncertain significance (2). Last evaluated 2025-03-05.

Conditions:
Cholestanol storage disease (CTX). Also called: CEREBRAL CHOLESTERINOSIS; CTX: Cerebrotendinous xanthomatosis; Cerebrotendinous Xanthomatosis. Identifiers: Orphanet 909, MedGen C0238052, MONDO:0008948, OMIM 213700.

Submissions (2):

GeneDx
Classification: Uncertain significance. Last evaluated: 2025-03-05. Review status: criteria provided, single submitter. Criteria: GeneDx Variant Classification Process June 2021. Collection method: clinical testing. Allele origin: germline. Affected: yes.
Comment: Not observed at significant frequency in large population cohorts (gnomAD); In silico analysis indicates that this missense variant does not alter protein structure/function; Has not been previously published as pathogenic or benign to our knowledge

Labcorp Genetics (formerly Invitae), Labcorp
Classification: Uncertain significance for Cholestanol storage disease. Last evaluated: 2022-05-04. Review status: criteria provided, single submitter. Criteria: Invitae Variant Classification Sherloc (09022015). Collection method: clinical testing. Allele origin: germline.
Comment: This sequence change replaces glutamic acid, which is acidic and polar, with lysine, which is basic and polar, at codon 359 of the CYP27A1 protein (p.Glu359Lys). This variant is not present in population databases (gnomAD no frequency). This variant has not been reported in the literature in individuals affected with CYP27A1-related conditions. Advanced modeling of protein sequence and biophysical properties (such as structural, functional, and spatial information, amino acid conservation, physicochemical variation, residue mobility, and thermodynamic stability) performed at Invitae indicates that this missense variant is not expected to disrupt CYP27A1 protein function. In summary, the available evidence is currently insufficient to determine the role of this variant in disease. Therefore, it has been classified as a Variant of Uncertain Significance.

NM_000784.4(CYP27A1):c.1075G>A (p.Glu359Lys)

Gene: CYP27A1 (cytochrome P450 family 27 subfamily A member 1; plus strand). Cytogenetic location: 2q35.
Variant type: single nucleotide variant.
Coding change: c.1075G>A on transcript NM_000784.4 (MANE Select); coding-DNA position 1075, G replaced by A.
Protein change: p.Glu359Lys; replaces glutamic acid 359 with lysine.
Molecular consequence: missense variant.
Genome position (GRCh38, 1-based): chr2:218,814,078, G>A. VCF-style: chr2-218814078-G-A. GRCh37 (hg19) VCF-style: chr2-219678801-G-A.
Other names: c.1075G>A (NM_000784.3); short protein forms E359K.
Identifiers: ClinVar variation 1431788 (VCV001431788.6), dbSNP rs760471205, ClinGen allele CA350591699.
Genomic context (GRCh38, chr2:218,814,078, plus strand): 5'-TAGACATCCAACACGCTGACATGGGCCCTGTACCACCTCTCAAAGGACCCTGAGATCCAG[G>A]AGGCCTTGCACGAGGAAGTGGTGGGTGTGGTGCCAGCCGGGCAAGTGCCCCAGCACAAGG-3'
Protein context (NP_000775.1, residues 349-369): YHLSKDPEIQ[Glu359Lys]ALHEEVVGVV